The following is an entry in ClinVar:

ClinVar aggregate classification (germline): Uncertain significance (1 of 4 stars; one submission).

Submission:

Labcorp Genetics (formerly Invitae), Labcorp
Classification: Uncertain significance. Last evaluated: 2023-07-12. Review status: criteria provided, single submitter. Criteria: Invitae Variant Classification Sherloc (09022015). Collection method: clinical testing. Allele origin: germline.
Comment: ClinVar contains an entry for this variant (Variation ID: 1901526). In summary, the available evidence is currently insufficient to determine the role of this variant in disease. Therefore, it has been classified as a Variant of Uncertain Significance. This variant has not been reported in the literature in individuals affected with SRP72-related conditions. This variant is not present in population databases (gnomAD no frequency). This sequence change creates a premature translational stop signal (p.Gly59Glufs*7) in the SRP72 gene. It is expected to result in an absent or disrupted protein product. However, the current clinical and genetic evidence is not sufficient to establish whether loss-of-function variants in SRP72 cause disease.

NM_006947.4(SRP72):c.176del (p.Gly59fs)

Gene: SRP72 (signal recognition particle 72; plus strand). Cytogenetic location: 4q12.
Variant type: Deletion.
Coding change: c.176del on transcript NM_006947.4 (MANE Select); coding-DNA position 176, one base deleted (G; older notation c.176delG).
Protein change: p.Gly59fs; shifts the reading frame from glycine 59.
Molecular consequence: frameshift variant. On other transcripts: non-coding transcript variant (1).
Genome position (GRCh38, 1-based): chr4:56,469,719, G deleted; the last of 2 consecutive G bases (chr4:56,469,718-56,469,719); deleting either gives the same sequence. VCF-style (leftmost placement, unchanged base first): chr4-56469717-TG-T. GRCh37 (hg19) VCF-style: chr4-57335883-TG-T.
Other names: c.176del, p.Gly59fs (NM_001267722.2); short protein forms G59fs.
Identifiers: ClinVar variation 1901526 (VCV001901526.5), dbSNP rs2545745058, ClinGen allele CA2580071213.